The following is an entry in ClinVar:

NM_002227.4(JAK1):c.1247C>T (p.Thr416Ile)

Gene: JAK1 (Janus kinase 1; minus strand). Cytogenetic location: 1p31.3.
Variant type: single nucleotide variant.
Coding change: c.1247C>T on transcript NM_002227.4 (MANE Select); coding-DNA position 1247, C replaced by T.
Protein change: p.Thr416Ile; replaces threonine 416 with isoleucine.
Molecular consequence: missense variant.
Genome position (GRCh38, 1-based): chr1:64,860,192, G>A on the plus strand (C>T on the coding strand, the complement: JAK1 is on the minus strand). VCF-style: chr1-64860192-G-A. GRCh37 (hg19) VCF-style: chr1-65325875-G-A.
Other names: c.1247C>T, p.Thr416Ile (NM_001320923.2, NM_001321852.2, NM_001321853.2 and 4 more transcripts); short protein forms T416I.
Identifiers: ClinVar variation 4697246 (VCV004697246.1).

ClinVar aggregate classification (germline): Uncertain significance (1 of 4 stars; one submission).

Submission:

Labcorp Genetics (formerly Invitae), Labcorp
Classification: Uncertain significance. Last evaluated: 2025-09-25. Review status: criteria provided, single submitter. Criteria: Invitae Variant Classification Sherloc (09022015). Collection method: clinical testing. Allele origin: germline.
Comment: This sequence change replaces threonine, which is neutral and polar, with isoleucine, which is neutral and non-polar, at codon 416 of the JAK1 protein (p.Thr416Ile). This variant is not present in population databases (gnomAD no frequency). This variant has not been reported in the literature in individuals affected with JAK1-related conditions. Invitae Evidence Modeling of protein sequence and biophysical properties (such as structural, functional, and spatial information, amino acid conservation, physicochemical variation, residue mobility, and thermodynamic stability) indicates that this missense variant is not expected to disrupt JAK1 protein function with a negative predictive value of 80%. In summary, the available evidence is currently insufficient to determine the role of this variant in disease. Therefore, it has been classified as a Variant of Uncertain Significance.